The following is an entry in ClinVar:

ClinVar aggregate classification (germline): Benign. Review status: criteria provided, multiple submitters, no conflicts (2 of 4 stars). 3 submissions from 2 submitters: Benign (3). Last evaluated 2018-01-12.

Conditions:
Atrichia with papular lesions (APL). Also called: PAPULAR ATRICHIA. Identifiers: Orphanet 86819, MedGen C1859592, MONDO:0008847, OMIM 209500.
Alopecia universalis congenita (ALUNC). Also called: ATRICHIA, GENERALIZED. Identifiers: Orphanet 701, MedGen C1859877, MONDO:0008757, OMIM 203655.

Allele frequency attached by ClinVar (database versions not stated): gnomAD exomes 0.00413; gnomAD 0.01950; TOPMed 0.02089; 1000 Genomes Project 0.02356; 1000 Genomes Project 30x 0.02436.
gnomAD v4.1: 3,040 of 152,596 alleles (2%); highest among the groups gnomAD compares: African/African-American, 5.6%; 76 homozygotes.

Submissions (3):

Illumina Laboratory Services, Illumina
Classification: Benign for Alopecia universalis congenita. Last evaluated: 2018-01-12. Review status: criteria provided, single submitter. Criteria: ICSL Variant Classification Criteria 13 December 2019. Collection method: clinical testing. Allele origin: germline.
Comment: This variant was observed in the ICSL laboratory as part of a predisposition screen in an ostensibly healthy population. It had not been previously curated by ICSL or reported in the Human Gene Mutation Database (HGMD: prior to June 1st, 2018), and was therefore a candidate for classification through an automated scoring system. Utilizing variant allele frequency, disease prevalence and penetrance estimates, and inheritance mode, an automated score was calculated to assess if this variant is too frequent to cause the disease. Based on the score and internal cut-off values, a variant classified as benign is not then subjected to further curation. The score for this variant resulted in a classification of benign for this disease.

Illumina Laboratory Services, Illumina
Classification: Benign for Atrichia with papular lesions. Last evaluated: 2018-01-12. Review status: criteria provided, single submitter. Criteria: ICSL Variant Classification Criteria 13 December 2019. Collection method: clinical testing. Allele origin: germline.
Comment: the same text as in the submission from Illumina Laboratory Services, Illumina above.

Breakthrough Genomics
Classification: Benign. Review status: criteria provided, single submitter. Criteria: ACMG Guidelines, 2015. Collection method: not provided. Allele origin: germline. Inheritance: Autosomal recessive inheritance. Affected: yes.

NM_005144.5(HR):c.*820G>C

Gene: HR (HR lysine demethylase and nuclear receptor corepressor; minus strand). Cytogenetic location: 8p21.3.
Variant type: single nucleotide variant.
Coding change: c.*820G>C on transcript NM_005144.5 (MANE Select); 820 bases downstream of the stop codon, G replaced by C.
Molecular consequence: 3 prime UTR variant.
Genome position (GRCh38, 1-based): chr8:22,114,880, C>G on the plus strand (G>C on the coding strand, the complement: HR is on the minus strand). VCF-style: chr8-22114880-C-G. GRCh37 (hg19) VCF-style: chr8-21972393-C-G.
Other names: c.*820G>C (NM_018411.4).
Identifiers: ClinVar variation 362459 (VCV000362459.6), dbSNP rs142767236, ClinGen allele CA10627446.